The following is an entry in ClinVar:

ClinVar aggregate classification (germline): Uncertain significance (1 of 4 stars; one submission).

Conditions:
Congenital lipoid adrenal hyperplasia due to STAR deficency. Also called: Congenital Lipoid Adrenal Hyperplasia; Lipoid adrenal hyperplasia; ADRENAL HYPERPLASIA I; Cholesterol monooxygenase (side-chain cleaving) deficiency. Identifiers: Orphanet 418, Orphanet 90790, MedGen C0342474, MONDO:0008725, OMIM 201710.

Submission:

Myriad Genetics, Inc.
Classification: Uncertain significance for Congenital lipoid adrenal hyperplasia due to STAR deficency. Last evaluated: 2026-03-12. Review status: criteria provided, single submitter. Criteria: Myriad Autosomal Dominant, Autosomal Recessive and X-Linked Classification Criteria (2023). Collection method: clinical testing. Allele origin: unknown.
Comment: NM_000349.2(STAR):c.487G>A(D163N) is a missense variant classified as a variant of uncertain significance in the context of lipoid congenital adrenal hyperplasia. D163N has been observed in a case with relevant disease (PMID: 35432193). Relevant functional assessments of this variant are not available in the literature. D163N has been observed in referenced population frequency databases. In summary, there is insufficient evidence to classify NM_000349.2(STAR):c.487G>A(D163N) as pathogenic or benign. Please note: this variant was assessed in the context of healthy population screening.

Literature cited by the submitters: PubMed 35432193.

NM_000349.3(STAR):c.487G>A (p.Asp163Asn)

Gene: STAR (steroidogenic acute regulatory protein; minus strand). Cytogenetic location: 8p11.23.
Variant type: single nucleotide variant.
Coding change: c.487G>A on transcript NM_000349.3 (MANE Select); coding-DNA position 487, G replaced by A.
Protein change: p.Asp163Asn; replaces aspartic acid 163 with asparagine.
Molecular consequence: missense variant.
Genome position (GRCh38, 1-based): chr8:38,146,126, C>T on the plus strand (G>A on the coding strand, the complement: STAR is on the minus strand). VCF-style: chr8-38146126-C-T. GRCh37 (hg19) VCF-style: chr8-38003644-C-T.
Other names: short protein forms D163N.
Identifiers: ClinVar variation 5003361 (VCV005003361.1).
Genomic context (GRCh38, chr8:38,146,126, plus strand): 5'-CACGGGGCCCCACCAGGTTTCCTGCTGCCTCGGCAGCCAGCTCGTGAGTAATGAATGTAT[C>T]TTTTCCGATCTTCTGCAGGACCTACCAGGCCATGGGGAACCAGAATCACGACTCAGCCTG-3'
Protein context (NP_000340.2, residues 153-173): EIKVLQKIGK[Asp163Asn]TFITHELAAE